The following is an entry in ClinVar:

ClinVar aggregate classification (germline): Uncertain significance. Review status: criteria provided, multiple submitters, no conflicts (2 of 4 stars). 2 submissions from 2 submitters: Uncertain significance (2). Last evaluated 2024-07-09.

Conditions:
Congenital myasthenic syndrome 8. Also called: MYASTHENIC SYNDROME, CONGENITAL, DUE TO AGRIN DEFICIENCY; Myasthenic syndrome, congenital, 8, with pre- and postsynaptic defects. Identifiers: Orphanet 590, MedGen C3808739, MONDO:0014052, OMIM 615120.

Allele frequency attached by ClinVar (database versions not stated): ExAC 0.00005.

Submissions (2):

Revvity Omics, Revvity
Classification: Uncertain significance for Congenital myasthenic syndrome 8. Last evaluated: 2024-07-09. Review status: criteria provided, single submitter. Criteria: ACMG Guidelines, 2015. Collection method: clinical testing. Allele origin: germline.

Labcorp Genetics (formerly Invitae), Labcorp
Classification: Uncertain significance for Congenital myasthenic syndrome 8. Last evaluated: 2021-06-07. Review status: criteria provided, single submitter. Criteria: Invitae Variant Classification Sherloc (09022015). Collection method: clinical testing. Allele origin: germline.
Comment: This sequence change replaces arginine with histidine at codon 332 of the AGRN protein (p.Arg332His). The arginine residue is highly conserved and there is a small physicochemical difference between arginine and histidine. This variant is present in population databases (rs762223640, ExAC 0.02%). This variant has not been reported in the literature in individuals with AGRN-related conditions. Algorithms developed to predict the effect of missense changes on protein structure and function are either unavailable or do not agree on the potential impact of this missense change (SIFT: "Deleterious"; PolyPhen-2: "Possibly Damaging"; Align-GVGD: "Class C0"). In summary, the available evidence is currently insufficient to determine the role of this variant in disease. Therefore, it has been classified as a Variant of Uncertain Significance.

NM_198576.4(AGRN):c.995G>A (p.Arg332His)

Gene: AGRN (agrin; plus strand). Cytogenetic location: 1p36.33.
Variant type: single nucleotide variant.
Coding change: c.995G>A on transcript NM_198576.4 (MANE Select); coding-DNA position 995, G replaced by A.
Protein change: p.Arg332His; replaces arginine 332 with histidine.
Molecular consequence: missense variant.
Genome position (GRCh38, 1-based): chr1:1,041,520, G>A. VCF-style: chr1-1041520-G-A. GRCh37 (hg19) VCF-style: chr1-976900-G-A.
Other names: c.995G>A, p.Arg332His (NM_001305275.2); c.680G>A, p.Arg227His (NM_001364727.2); short protein forms R227H, R332H.
Identifiers: ClinVar variation 1439733 (VCV001439733.9), dbSNP rs762223640, ClinGen allele CA507972.
Genomic context (GRCh38, chr1:1,041,520, plus strand): 5'-CCTGCCCTCGACCCCCAGACCCCTGTCAGGGCGCCCTCCCTGACCCGAGCCGCAGCTGCC[G>A]TGTGAACCCGCGCACGCGGCGCCCTGAGATGCTCCTACGGCCCGAGAGCTGCCCTGCCCG-3'
Protein context (NP_940978.2, residues 322-342): GALPDPSRSC[Arg332His]VNPRTRRPEM